The following is an entry in ClinVar:

NM_001083961.2(WDR62):c.1987AAG[1] (p.Lys664del)

Gene: WDR62 (WD repeat domain 62; plus strand). Cytogenetic location: 19q13.12.
Variant type: Microsatellite.
Coding change: c.1987AAG[1] on transcript NM_001083961.2 (MANE Select); one copy of the 3-base unit AAG starting at c.1987; the reference has two copies in a row; one copy, 3 bases deleted; also written c.1990_1992del.
Protein change: p.Lys664del; deletes lysine 664.
Molecular consequence: inframe deletion.
Genome position (GRCh38, 1-based): chr19:36,090,476-36,090,478, AAG deleted; deleting any 3 consecutive bases within chr19:36,090,471-36,090,478 gives the same sequence; the position shown is the placement nearest the transcript's 3' end. VCF-style (leftmost placement, unchanged base first): chr19-36090470-CAGA-C. GRCh37 (hg19) VCF-style: chr19-36581372-CAGA-C.
Other names: c.1990_1992del (NM_001083961.2); c.1987AAG[1], p.Lys664del (NM_173636.5); c.1990_1992delAAG (NM_001083961.1); short protein forms K664del.
Identifiers: ClinVar variation 598371 (VCV000598371.18), dbSNP rs764610550, ClinGen allele CA9395805.
Genomic context (GRCh38, chr19:36,090,470, plus strand): 5'-GCCCTGTTGGCCGCAACATGCCCCTACTTCCCCAGAGTCTACAACACTGTGAACGGGAAG[CAGA>C]AGAAGTGCTACAAGGGCTCCCAGGGTGACGAAGGGTCCTTGCTGAAGGTGAGGAGTTGGA-3'

ClinVar aggregate classification (germline): Conflicting classifications of pathogenicity. Review status: criteria provided, conflicting classifications (1 of 4 stars). 6 submissions from 6 submitters: Pathogenic (1); Likely pathogenic (2); Uncertain significance (3). Last evaluated 2026-08-26.

Conditions:
Intellectual disability. Also called: intellectual disabilities; Intellectual functioning disability; Intellectual developmental disorder. Identifiers: MedGen C3714756, MeSH D008607, MONDO:0001071, HP:0001249.
Inborn genetic diseases. Identifiers: MedGen C0950123, MeSH D030342.
Microcephaly 2, primary, autosomal recessive, with or without cortical malformations. Also called: MICROCEPHALY 2, PRIMARY, AUTOSOMAL RECESSIVE, WITH CORTICAL MALFORMATIONS; WDR62 Primary Microcephaly. Identifiers: Orphanet 2512, MedGen C1858535, MONDO:0011435, OMIM 604317.

Submissions (6):

Ambry Genetics
Classification: Pathogenic for Inborn genetic diseases. Last evaluated: 2026-08-26. Review status: criteria provided, single submitter. Criteria: Ambry Variant Classification Scheme 2023. Collection method: clinical testing. Allele origin: germline.
Comment: The c.1990_1992delAAG (p.K664del) variant, located in exon 16 (coding exon 16) of the WDR62 gene, results from an in-frame deletion of 3 nucleotides at positions 1990 to 1992. This results in the deletion of a lysine residue at codon 664. Based on data from gnomAD, this allele has an overall frequency of 0.003% (8/251456) total alleles studied. The highest observed frequency was 0.006% (1/16256) of African alleles. This variant has been identified in the homozygous state and/or in conjunction with other WDR62 variant(s) in individual(s) with features consistent with WDR62-related primary microcephaly; in at least one instance, the variants were identified in trans (Zacher P et al., 2021; Ambry Internal Data). This amino acid position is well conserved in available vertebrate species. This variant is predicted to be deleterious by in silico analysis (Choi, 2012). Based on the available evidence, this alteration is classified as pathogenic.

GeneDx
Classification: Likely pathogenic. Last evaluated: 2024-06-14. Review status: criteria provided, single submitter. Criteria: GeneDx Variant Classification Process June 2021. Collection method: clinical testing. Allele origin: germline. Affected: yes.
Comment: In-frame deletion of 1 amino acid in a non-repeat region; Not observed at significant frequency in large population cohorts (gnomAD); In silico analysis supports a deleterious effect on protein structure/function; This variant is associated with the following publications: (PMID: 33911214)

Labcorp Genetics (formerly Invitae), Labcorp
Classification: Uncertain significance. Last evaluated: 2023-08-29. Review status: criteria provided, single submitter. Criteria: Invitae Variant Classification Sherloc (09022015). Collection method: clinical testing. Allele origin: germline.
Comment: This variant, c.1990_1992del, results in the deletion of 1 amino acid(s) of the WDR62 protein (p.Lys664del), but otherwise preserves the integrity of the reading frame. This variant is present in population databases (rs764610550, gnomAD 0.007%). This variant has not been reported in the literature in individuals affected with WDR62-related conditions. ClinVar contains an entry for this variant (Variation ID: 598371). In summary, the available evidence is currently insufficient to determine the role of this variant in disease. Therefore, it has been classified as a Variant of Uncertain Significance.

Revvity Omics, Revvity
Classification: Uncertain significance for Microcephaly 2, primary, autosomal recessive, with or without cortical malformations. Last evaluated: 2020-12-09. Review status: criteria provided, single submitter. Criteria: ACMG Guidelines, 2015. Collection method: clinical testing. Allele origin: germline.

Institute of Human Genetics, University of Leipzig Medical Center
Classification: Likely pathogenic for Intellectual disability. Last evaluated: 2020-08-03. Review status: criteria provided, single submitter. Criteria: ACMG Guidelines, 2015. Collection method: clinical testing. Allele origin: maternal. Affected: yes.

Eurofins Ntd Llc (ga)
Classification: Uncertain significance. Last evaluated: 2018-08-30. Review status: criteria provided, single submitter. Criteria: EGL ClinVar v180209 classification definitions. Collection method: clinical testing. Allele origin: germline.

Literature cited by the submitters: PubMed 33911214 (cited by Ambry Genetics).